The following is an entry in ClinVar:

NM_024422.6(DSC2):c.143TTG[1] (p.Val49del)

Gene: DSC2 (desmocollin 2; minus strand). Cytogenetic location: 18q12.1.
Variant type: Microsatellite.
Coding change: c.143TTG[1] on transcript NM_024422.6 (MANE Select); one copy of the 3-base unit TTG starting at c.143; the reference has two copies in a row; one copy, 3 bases deleted.
Protein change: p.Val49del; deletes valine 49.
Molecular consequence: inframe deletion. On other transcripts: 5 prime UTR variant (2).
Genome position (GRCh38, 1-based): chr18:31,093,565-31,093,567, CAA deleted on the plus strand (TTG on the coding strand, the reverse complement: DSC2 is on the minus strand); deleting any 3 consecutive bases within chr18:31,093,565-31,093,570 gives the same sequence; the position shown is the placement nearest the transcript's 3' end. VCF-style (leftmost placement, unchanged base first): chr18-31093564-CCAA-C. GRCh37 (hg19) VCF-style: chr18-28673527-CCAA-C.
Other names: c.-287TTG[1] (NM_001406506.1, NM_001406507.1); c.143TTG[1], p.Val49del (NM_004949.5); short protein forms V49del.
Identifiers: ClinVar variation 3072020 (VCV003072020.1), dbSNP rs2510957167, ClinGen allele CA2825002678.
Genomic context (GRCh38, chr18:31,093,564, plus strand): 5'-GCGTATATGTACCACAGCAAAACAGGATTTATTACAAATTTTAGGGCTTCCTTACCTCTA[CCAA>C]CAAGTTTCTCGGCATCTAGTTTGGAGGGAACATGTAATGTCACATTTTTGCAGGCATCAC-3'

ClinVar aggregate classification (germline): Uncertain significance (1 of 4 stars; one submission).

Conditions:
Familial isolated arrhythmogenic right ventricular dysplasia. Identifiers: Orphanet 217656, MedGen C4274968, MONDO:0016342.

Submission:

All of Us Research Program, National Institutes of Health
Classification: Uncertain significance for Familial isolated arrhythmogenic right ventricular dysplasia. Last evaluated: 2023-06-26. Review status: criteria provided, single submitter. Criteria: ACMG Guidelines, 2015. Collection method: clinical testing. Allele origin: germline. Inheritance: Autosomal dominant inheritance. Observed: 1 variant allele, 1 heterozygote.
Comment: This variant causes a deletion of valine at codon 49 of the DSC2 protein. To our knowledge, functional studies have not been reported for this variant. This variant has not been reported in individuals affected with DSC2-related disorders in the literature. This variant has not been identified in the general population by the Genome Aggregation Database (gnomAD). The available evidence is insufficient to determine the role of this variant in disease conclusively. Therefore, this variant is classified as a Variant of Uncertain Significance.

This study involves interpretation of variants in research participants for the purpose of population health screening. Participant phenotype was not available at the time of variant classification. Additional details can be found in publication PMID: 35346344, PMCID: PMC8962531